The following is an entry in ClinVar:

ClinVar aggregate classification (germline): Uncertain significance (1 of 4 stars; one submission).

Conditions:
Hereditary cancer-predisposing syndrome. Also called: Tumor predisposition; Hereditary neoplastic syndrome; Neoplastic Syndromes, Hereditary; Hereditary Cancer Syndrome. Identifiers: Orphanet 140162, MedGen C0027672, MeSH D009386, MONDO:0015356.

Submission:

Ambry Genetics
Classification: Uncertain significance for Hereditary cancer-predisposing syndrome. Last evaluated: 2025-04-21. Review status: criteria provided, single submitter. Criteria: Ambry Variant Classification Scheme 2023. Collection method: clinical testing. Allele origin: germline.
Comment: The p.R296K variant (also known as c.887G>A), located in coding exon 9 of the BRCA1 gene, results from a G to A substitution at nucleotide position 887. The arginine at codon 296 is replaced by lysine, an amino acid with highly similar properties. This amino acid position is not well conserved in available vertebrate species. In addition, the in silico prediction for this alteration is inconclusive. Based on the available evidence, the clinical significance of this variant remains unclear.

NM_007294.4(BRCA1):c.887G>A (p.Arg296Lys)

Gene: BRCA1 (BRCA1 DNA repair associated; minus strand). Cytogenetic location: 17q21.31.
Variant type: single nucleotide variant.
Coding change: c.887G>A on transcript NM_007294.4 (MANE Select); coding-DNA position 887, G replaced by A.
Protein change: p.Arg296Lys; replaces arginine 296 with lysine.
Molecular consequence: missense variant. On other transcripts: 5 prime UTR variant (2), intron variant (137).
Genome position (GRCh38, 1-based): chr17:43,094,644, C>T on the plus strand (G>A on the coding strand, the complement: BRCA1 is on the minus strand). VCF-style: chr17-43094644-C-T. GRCh37 (hg19) VCF-style: chr17-41246661-C-T.
Other names: c.887G>A, p.Arg296Lys (NM_001407596.1, NM_001407597.1, NM_001407594.1 and 30 more transcripts); c.623G>A, p.Arg208Lys (NM_001407929.1, NM_001407933.1, NM_001407935.1 and 9 more transcripts); c.620G>A, p.Arg207Lys (NM_001407930.1, NM_001407931.1, NM_001407932.1 and 2 more transcripts); c.554G>A, p.Arg185Lys (NM_001407946.1, NM_001407947.1, NM_001407948.1 and 6 more transcripts); c.551G>A, p.Arg184Lys (NM_001407954.1, NM_001407955.1, NM_001407956.1 and 1 more transcripts); c.884G>A, p.Arg295Lys (NM_001407610.1, NM_001407611.1, NM_001407612.1 and 22 more transcripts); c.878G>A, p.Arg293Lys (NM_001407646.1, NM_001407647.1); c.764G>A, p.Arg255Lys (NM_001407648.1, NM_001407664.1, NM_001407665.1 and 19 more transcripts); and 40 more; short protein forms R169K, R184K, R207K, R229K, R296K, R228K, R248K, R269K.
Identifiers: ClinVar variation 3992602 (VCV003992602.1).